The following is an entry in ClinVar:

NM_145725.3(TRAF3):c.880C>A (p.Gln294Lys)

Gene: TRAF3 (TNF receptor associated factor 3; plus strand). Cytogenetic location: 14q32.32.
Variant type: single nucleotide variant.
Coding change: c.880C>A on transcript NM_145725.3 (MANE Select); coding-DNA position 880, C replaced by A.
Protein change: p.Gln294Lys; replaces glutamine 294 with lysine.
Molecular consequence: missense variant. On other transcripts: intron variant (1).
Genome position (GRCh38, 1-based): chr14:102,897,321, C>A. VCF-style: chr14-102897321-C-A. GRCh37 (hg19) VCF-style: chr14-103363658-C-A.
Other names: c.631C>A, p.Gln211Lys (NM_001199427.2); c.799C>A, p.Gln267Lys (NM_001385143.1); c.880C>A, p.Gln294Lys (NM_003300.4); c.805C>A, p.Gln269Lys (NM_145726.3); c.819+5904C>A (NM_001385142.1); short protein forms Q211K, Q294K, Q267K, Q269K.
Identifiers: ClinVar variation 1474038 (VCV001474038.6), dbSNP rs2139974618, ClinGen allele CA391073807.

ClinVar aggregate classification (germline): Uncertain significance (1 of 4 stars; one submission).

Conditions:
Immunodeficiency 132A. Also called: Herpes simplex encephalitis, susceptibility to, 3. Identifiers: Orphanet 1930, MedGen C3553868, MONDO:0013920, OMIM 614849.

Allele frequency attached by ClinVar (database versions not stated): gnomAD exomes 0.00001.
gnomAD v4.1: 8 of 1,613,742 alleles (0.0005%); highest among the groups gnomAD compares: Non-Finnish European, 0.00068%; no homozygotes.

Submission:

Labcorp Genetics (formerly Invitae), Labcorp
Classification: Uncertain significance for Immunodeficiency 132A. Last evaluated: 2024-11-05. Review status: criteria provided, single submitter. Criteria: Invitae Variant Classification Sherloc (09022015). Collection method: clinical testing. Allele origin: germline.
Comment: This sequence change replaces glutamine, which is neutral and polar, with lysine, which is basic and polar, at codon 294 of the TRAF3 protein (p.Gln294Lys). This variant is not present in population databases (gnomAD no frequency). This variant has not been reported in the literature in individuals affected with TRAF3-related conditions. ClinVar contains an entry for this variant (Variation ID: 1474038). An algorithm developed to predict the effect of missense changes on protein structure and function (PolyPhen-2) suggests that this variant is likely to be tolerated. In summary, the available evidence is currently insufficient to determine the role of this variant in disease. Therefore, it has been classified as a Variant of Uncertain Significance.